The following is an entry in ClinVar:

ClinVar aggregate classification (germline): Conflicting classifications of pathogenicity. Review status: criteria provided, conflicting classifications (1 of 4 stars). 5 submissions from 5 submitters: Uncertain significance (1); Likely benign (2). 2 of the submissions do not count toward it. Last evaluated 2026-06-10.

Conditions:
ELP1-related disorder. Also called: ELP1-related condition.
Familial dysautonomia. Also called: HSAN III; FD. Identifiers: Orphanet 1764, MedGen C0013364, MONDO:0009131, OMIM 223900. Disease mechanism: loss of function.

Allele frequency attached by ClinVar (database versions not stated): TOPMed 0.00008; ExAC 0.00011; gnomAD 0.00011; gnomAD exomes 0.00014 and 0.00021; ESP Exome Variant Server 0.00015; 1000 Genomes Project 0.00020; 1000 Genomes Project 30x 0.00031.
gnomAD v4.1: 319 of 1,613,758 alleles (0.02%); highest among the groups gnomAD compares: Non-Finnish European, 0.025%; no homozygotes.

Submissions (5):

PreventionGenetics, part of Exact Sciences
Classification: Likely benign for ELP1-related condition. Last evaluated: 2026-06-10. Review status: criteria provided, single submitter. Criteria: ACMG Guidelines, 2015. Collection method: clinical testing. Allele origin: germline.
Comment: This variant is classified as likely benign based on ACMG/AMP sequence variant interpretation guidelines (Richards et al. 2015 PMID: 25741868, with internal and published modifications).

Labcorp Genetics (formerly Invitae), Labcorp
Classification: Likely benign. Last evaluated: 2025-11-24. Review status: criteria provided, single submitter. Criteria: Invitae Variant Classification Sherloc (09022015). Collection method: clinical testing. Allele origin: germline.

GeneDx
Classification: Uncertain significance. Last evaluated: 2024-05-10. Review status: criteria provided, single submitter. Criteria: GeneDx Variant Classification Process June 2021. Collection method: clinical testing. Allele origin: germline. Affected: yes.
Comment: In silico analysis indicates that this variant does not alter splicing; Has not been previously published as pathogenic or benign to our knowledge

Natera, Inc.
Classification: Uncertain significance for Hereditary sensory and autonomic neuropathy type III. Last evaluated: 2020-01-24. Review status: no assertion criteria provided. Collection method: clinical testing. Allele origin: germline. Not counted in ClinVar's aggregate classification.

Counsyl
Classification: Uncertain significance for Familial dysautonomia. Last evaluated: 2016-12-27. Review status: no assertion criteria provided. Collection method: clinical testing. Allele origin: unknown. Not counted in ClinVar's aggregate classification.

NM_003640.5(ELP1):c.3573-7C>G

Gene: ELP1 (elongator acetyltransferase complex subunit 1; minus strand). Cytogenetic location: 9q31.3.
Variant type: single nucleotide variant.
Coding change: c.3573-7C>G on transcript NM_003640.5 (MANE Select); 7 bases into the intron before coding-DNA position 3573, C replaced by G.
Molecular consequence: intron variant.
Genome position (GRCh38, 1-based): chr9:108,878,757, G>C on the plus strand (C>G on the coding strand, the complement: ELP1 is on the minus strand). VCF-style: chr9-108878757-G-C. GRCh37 (hg19) VCF-style: chr9-111641037-G-C.
Other names: c.3573-7C>G (NM_003640.4, LRG_251t1); c.3231-7C>G (NM_001318360.2); c.2526-7C>G (NM_001330749.2).
Identifiers: ClinVar variation 526204 (VCV000526204.16), dbSNP rs370571926, ClinGen allele CA5174241.